The following is an entry in ClinVar:

ClinVar aggregate classification (germline): Benign/Likely benign. Review status: criteria provided, multiple submitters, no conflicts (2 of 4 stars). 8 submissions from 8 submitters: Benign (2); Likely benign (6). Last evaluated 2025-10-13.

Conditions:
Tuberous sclerosis syndrome (TSC). Also called: Tuberous Sclerosis Complex; Tuberous sclerosis. Identifiers: Orphanet 805, MedGen C0041341, MONDO:0001734.
Tuberous sclerosis 1 (TSC1). Identifiers: Orphanet 805, MedGen C1854465, MONDO:0008612, OMIM 191100.
Hereditary cancer-predisposing syndrome. Also called: Tumor predisposition; Neoplastic Syndromes, Hereditary; Hereditary neoplastic syndrome; Hereditary Cancer Syndrome. Identifiers: Orphanet 140162, MedGen C0027672, MeSH D009386, MONDO:0015356.
Lymphangiomyomatosis (LAM). Also called: Lymphangioleiomyomatosis; Lymphangioleiomyomatosis, somatic. Identifiers: Orphanet 538, MedGen C0751674, MONDO:0011705, OMIM 606690.
Isolated focal cortical dysplasia type II (FCORD2). Also called: CORTICAL DYSPLASIA OF TAYLOR; Focal cortical dysplasia type II. Identifiers: Orphanet 268994, MedGen C1846385, MONDO:0011818, OMIM 607341, HP:0032051.

Submissions (8):

Labcorp Genetics (formerly Invitae), Labcorp
Classification: Likely benign for Tuberous sclerosis 1. Last evaluated: 2025-10-13. Review status: criteria provided, single submitter. Criteria: Invitae Variant Classification Sherloc (09022015). Collection method: clinical testing. Allele origin: germline.

Myriad Genetics, Inc.
Classification: Benign for Tuberous sclerosis 1. Last evaluated: 2025-04-09. Review status: criteria provided, single submitter. Criteria: Myriad Autosomal Dominant, Autosomal Recessive and X-Linked Classification Criteria (2023). Collection method: clinical testing. Allele origin: unknown.
Comment: This variant is considered benign. This variant is a silent/synonymous amino acid change and it is not expected to impact splicing.

Blueprint Genetics
Classification: Likely benign. Last evaluated: 2024-01-17. Review status: criteria provided, single submitter. Criteria: ACMG Guidelines, 2015. Collection method: clinical testing. Allele origin: germline.

All of Us Research Program, National Institutes of Health
Classification: Likely benign for Tuberous sclerosis syndrome. Last evaluated: 2023-08-15. Review status: criteria provided, single submitter. Criteria: ACMG Guidelines, 2015. Collection method: clinical testing. Allele origin: germline. Inheritance: Autosomal dominant inheritance. Observed: 3 variant alleles, 3 heterozygotes.
Comment: This study involves interpretation of variants in research participants for the purpose of population health screening. Participant phenotype was not available at the time of variant classification. Additional details can be found in publication PMID: 35346344, PMCID: PMC8962531

Color Diagnostics, LLC DBA Color Health
Classification: Likely benign for Tuberous sclerosis syndrome. Last evaluated: 2022-05-26. Review status: criteria provided, single submitter. Criteria: ACMG Guidelines, 2015. Collection method: clinical testing. Allele origin: germline.

Fulgent Genetics
Classification: Likely benign for Tuberous sclerosis 1; Lymphangiomyomatosis; Isolated focal cortical dysplasia type II. Last evaluated: 2021-12-15. Review status: criteria provided, single submitter. Criteria: ACMG Guidelines, 2015. Collection method: clinical testing. Allele origin: unknown.

Genome-Nilou Lab
Classification: Benign for Tuberous sclerosis 1. Last evaluated: 2021-11-07. Review status: criteria provided, single submitter. Criteria: ACMG Guidelines, 2015. Collection method: clinical testing. Allele origin: germline. Affected: no.

Ambry Genetics
Classification: Likely benign for Hereditary cancer-predisposing syndrome. Last evaluated: 2018-02-23. Review status: criteria provided, single submitter. Criteria: Ambry Variant Classification Scheme 2023. Collection method: clinical testing. Allele origin: germline.

NM_000368.5(TSC1):c.915G>T (p.Gly305=)

Gene: TSC1 (TSC complex subunit 1; minus strand). Cytogenetic location: 9q34.13.
Variant type: single nucleotide variant.
Coding change: c.915G>T on transcript NM_000368.5 (MANE Select); coding-DNA position 915, G replaced by T.
Protein change: p.Gly305=; no amino-acid change (glycine 305 retained).
Molecular consequence: synonymous variant.
Genome position (GRCh38, 1-based): chr9:132,911,567, C>A on the plus strand (G>T on the coding strand, the complement: TSC1 is on the minus strand). VCF-style: chr9-132911567-C-A. GRCh37 (hg19) VCF-style: chr9-135786954-C-A.
Other names: c.915G>T, p.Gly305= (NM_001162426.2); c.762G>T, p.Gly254= (NM_001162427.2); c.552G>T, p.Gly184= (NM_001362177.2).
Identifiers: ClinVar variation 710561 (VCV000710561.22), dbSNP rs397515293, ClinGen allele CA039715.